The following is an entry in ClinVar:

ClinVar aggregate classification (germline): Likely pathogenic (1 of 4 stars; one submission).

Allele frequency attached by ClinVar (database versions not stated): TOPMed below 0.00001.

Submission:

Labcorp Genetics (formerly Invitae), Labcorp
Classification: Likely pathogenic. Last evaluated: 2023-01-24. Review status: criteria provided, single submitter. Criteria: Invitae Variant Classification Sherloc (09022015). Collection method: clinical testing. Allele origin: germline.
Comment: This sequence change affects a donor splice site in intron 8 of the ALPL gene. It is expected to disrupt RNA splicing. Variants that disrupt the donor or acceptor splice site typically lead to a loss of protein function (PMID: 16199547), and loss-of-function variants in ALPL are known to be pathogenic (PMID: 3174660, 10679946, 32973344, 33814268). In summary, the currently available evidence indicates that the variant is pathogenic, but additional data are needed to prove that conclusively. Therefore, this variant has been classified as Likely Pathogenic. Algorithms developed to predict the effect of sequence changes on RNA splicing suggest that this variant may disrupt the consensus splice site. This variant has not been reported in the literature in individuals affected with ALPL-related conditions. This variant is not present in population databases (gnomAD no frequency).

Literature cited by the submitters: PubMed 16199547; PubMed 3174660; PubMed 10679946; PubMed 32973344; PubMed 33814268.

NM_000478.6(ALPL):c.862+2T>G

Gene: ALPL (alkaline phosphatase, biomineralization associated; plus strand). Cytogenetic location: 1p36.12.
Variant type: single nucleotide variant.
Coding change: c.862+2T>G on transcript NM_000478.6 (MANE Select); the canonical splice donor site of the intron after coding-DNA position 862, T replaced by G.
Molecular consequence: splice donor variant.
Genome position (GRCh38, 1-based): chr1:21,570,376, T>G. VCF-style: chr1-21570376-T-G. GRCh37 (hg19) VCF-style: chr1-21896869-T-G.
Other names: c.862+2T>G (NM_001369805.2, NM_001369804.2, NM_001369803.2); c.697+2T>G (NM_001127501.4); c.631+2T>G (NM_001177520.3).
Identifiers: ClinVar variation 2831618 (VCV002831618.3), dbSNP rs1644629056, ClinGen allele CA338880030.